The following is an entry in ClinVar:

ClinVar aggregate classification (germline): Uncertain significance (1 of 4 stars; one submission).

Conditions:
Acrocallosal syndrome (ACLS). Also called: Schinzel syndrome 1; Absence of corpus callosum with unusual facial appearance, mental deficiency, duplication of the halluces and polydactyly; HALLUX DUPLICATION, POSTAXIAL POLYDACTYLY, AND ABSENCE OF CORPUS CALLOSUM. Identifiers: Orphanet 36, MedGen C0796147, MONDO:0008708, OMIM 200990.

Allele frequency attached by ClinVar (database versions not stated): gnomAD 0.00001.
gnomAD v4.1: 4 of 1,551,648 alleles (0.00026%); highest among the groups gnomAD compares: Non-Finnish European, 0.00035%; no homozygotes.

Submission:

Baylor Genetics
Classification: Uncertain significance for Acrocallosal syndrome. Last evaluated: 2018-01-02. Review status: criteria provided, single submitter. Criteria: ACMG Guidelines, 2015. Collection method: clinical testing. Allele origin: unknown. Affected: yes.
Comment: This variant was determined to be of uncertain significance according to ACMG Guidelines, 2015 [PMID:25741868].

NM_198525.3(KIF7):c.214C>G (p.Gln72Glu)

Gene: KIF7 (kinesin family member 7; minus strand). Cytogenetic location: 15q26.1.
Variant type: single nucleotide variant.
Coding change: c.214C>G on transcript NM_198525.3 (MANE Select); coding-DNA position 214, C replaced by G.
Protein change: p.Gln72Glu; replaces glutamine 72 with glutamic acid.
Molecular consequence: missense variant.
Genome position (GRCh38, 1-based): chr15:89,652,717, G>C on the plus strand (C>G on the coding strand, the complement: KIF7 is on the minus strand). VCF-style: chr15-89652717-G-C. GRCh37 (hg19) VCF-style: chr15-90195948-G-C.
Other names: short protein forms Q72E.
Identifiers: ClinVar variation 1033266 (VCV001033266.1), dbSNP rs1201439891, ClinGen allele CA393780048.